The following is an entry in ClinVar:

NM_018263.6(ASXL2):c.2976G>A (p.Ala992=)

Gene: ASXL2 (ASXL transcriptional regulator 2; minus strand). Cytogenetic location: 2p23.3.
Variant type: single nucleotide variant.
Coding change: c.2976G>A on transcript NM_018263.6 (MANE Select); coding-DNA position 2976, G replaced by A.
Protein change: p.Ala992=; no amino-acid change (alanine 992 retained).
Molecular consequence: synonymous variant.
Genome position (GRCh38, 1-based): chr2:25,743,361, C>T on the plus strand (G>A on the coding strand, the complement: ASXL2 is on the minus strand). VCF-style: chr2-25743361-C-T. GRCh37 (hg19) VCF-style: chr2-25966230-C-T.
Other names: c.2802G>A, p.Ala934= (NM_001369346.1); c.2196G>A, p.Ala732= (NM_001369347.1).
Identifiers: ClinVar variation 797763 (VCV000797763.26), dbSNP rs553046267, ClinGen allele CA1557559.

ClinVar aggregate classification (germline): Likely benign. Review status: criteria provided, multiple submitters, no conflicts (2 of 4 stars). 3 submissions from 3 submitters: Likely benign (2). 1 of the submissions does not count toward it. Last evaluated 2024-03-01.

Conditions:
ASXL2-related disorder. Also called: ASXL2-related condition.

Allele frequency attached by ClinVar (database versions not stated): TOPMed 0.00005; gnomAD 0.00006; gnomAD exomes 0.00007 and 0.00003; 1000 Genomes Project 30x 0.00016; 1000 Genomes Project 0.00020; ExAC 0.00004.

Submissions (3):

CeGaT Center for Human Genetics Tuebingen
Classification: Likely benign. Last evaluated: 2024-03-01. Review status: criteria provided, single submitter. Criteria: CeGaT Center For Human Genetics Tuebingen Variant Classification Criteria Version 2. Collection method: clinical testing. Allele origin: germline. Affected: yes. Observed: 1 variant allele.
Comment: ASXL2: BP4, BP7

Labcorp Genetics (formerly Invitae), Labcorp
Classification: Likely benign. Last evaluated: 2019-12-31. Review status: criteria provided, single submitter. Criteria: Invitae Variant Classification Sherloc (09022015). Collection method: clinical testing. Allele origin: germline.

PreventionGenetics, part of Exact Sciences
Classification: Likely benign for ASXL2-related condition. Last evaluated: 2019-02-21. Review status: no assertion criteria provided. Collection method: clinical testing. Allele origin: germline. Not counted in ClinVar's aggregate classification.
Comment: This variant is classified as likely benign based on ACMG/AMP sequence variant interpretation guidelines (Richards et al. 2015 PMID: 25741868, with internal and published modifications).